The following is an entry in ClinVar:

ClinVar aggregate classification (germline): Conflicting classifications of pathogenicity. Review status: criteria provided, conflicting classifications (1 of 4 stars). 4 submissions from 4 submitters: Uncertain significance (3); Likely benign (1). Last evaluated 2025-05-03.

Conditions:
Cardiovascular phenotype. Identifiers: MedGen CN230736.

Allele frequency attached by ClinVar (database versions not stated): gnomAD 0.00001 and 0.00002; TOPMed 0.00002; 1000 Genomes Project 30x 0.00016; gnomAD exomes 0.00003.
gnomAD v4.1: 41 of 1,550,142 alleles (0.0026%); highest among the groups gnomAD compares: Non-Finnish European, 0.0033%; no homozygotes.

Submissions (4):

Ambry Genetics
Classification: Likely benign for Cardiovascular phenotype. Last evaluated: 2025-05-03. Review status: criteria provided, single submitter. Criteria: Ambry Variant Classification Scheme 2023. Collection method: clinical testing. Allele origin: germline.

Women's Health and Genetics/Laboratory Corporation of America, LabCorp
Classification: Uncertain significance. Last evaluated: 2025-01-23. Review status: criteria provided, single submitter. Criteria: LabCorp Variant Classification Summary - May 2015. Collection method: clinical testing. Allele origin: germline.
Comment: Variant summary: ZNF469 c.1181C>T (p.Thr394Met) results in a non-conservative amino acid change in the encoded protein sequence. Three of four in-silico tools predict a damaging effect of the variant on protein function. The variant allele was found at a frequency of 2.7e-05 in 150462 control chromosomes (gnomAD). The available data on variant occurrences in the general population are insufficient to allow any conclusion about variant significance. To our knowledge, no occurrence of c.1181C>T in individuals affected with Brittle cornea syndrome 1 and no experimental evidence demonstrating its impact on protein function have been reported. ClinVar contains an entry for this variant (Variation ID: 1420226). Based on the evidence outlined above, the variant was classified as uncertain significance.

GeneDx
Classification: Uncertain significance. Last evaluated: 2024-05-05. Review status: criteria provided, single submitter. Criteria: GeneDx Variant Classification Process June 2021. Collection method: clinical testing. Allele origin: germline. Affected: yes.
Comment: Has not been previously published as pathogenic or benign to our knowledge; Not observed at significant frequency in large population cohorts (gnomAD); In silico analysis indicates that this missense variant does not alter protein structure/function

Labcorp Genetics (formerly Invitae), Labcorp
Classification: Uncertain significance. Last evaluated: 2021-11-26. Review status: criteria provided, single submitter. Criteria: Invitae Variant Classification Sherloc (09022015). Collection method: clinical testing. Allele origin: germline.
Comment: This sequence change replaces threonine, which is neutral and polar, with methionine, which is neutral and non-polar, at codon 394 of the ZNF469 protein (p.Thr394Met). This variant is present in population databases (no rsID available, gnomAD 0.01%). This variant has not been reported in the literature in individuals affected with ZNF469-related conditions. Algorithms developed to predict the effect of missense changes on protein structure and function are either unavailable or do not agree on the potential impact of this missense change (SIFT: "Deleterious"; PolyPhen-2: "Benign"; Align-GVGD: "Class C0"). In summary, the available evidence is currently insufficient to determine the role of this variant in disease. Therefore, it has been classified as a Variant of Uncertain Significance.

NM_001367624.2(ZNF469):c.1181C>T (p.Thr394Met)

Gene: ZNF469 (zinc finger protein 469; plus strand). Cytogenetic location: 16q24.2.
Variant type: single nucleotide variant.
Coding change: c.1181C>T on transcript NM_001367624.2 (MANE Select); coding-DNA position 1181, C replaced by T.
Protein change: p.Thr394Met; replaces threonine 394 with methionine.
Molecular consequence: missense variant.
Genome position (GRCh38, 1-based): chr16:88,428,651, C>T. VCF-style: chr16-88428651-C-T. GRCh37 (hg19) VCF-style: chr16-88495059-C-T.
Other names: NM_001127464.1:c.1181C>T; short protein forms T394M.
Identifiers: ClinVar variation 1420226 (VCV001420226.8), dbSNP rs1031189046, ClinGen allele CA286372463.